The following is an entry in ClinVar:

NM_001754.5(RUNX1):c.952T>C (p.Ser318Pro)

Gene: RUNX1 (RUNX family transcription factor 1; minus strand). Cytogenetic location: 21q22.12.
Variant type: single nucleotide variant.
Coding change: c.952T>C on transcript NM_001754.5 (MANE Select); coding-DNA position 952, T replaced by C.
Protein change: p.Ser318Pro; replaces serine 318 with proline.
Molecular consequence: missense variant.
Genome position (GRCh38, 1-based): chr21:34,799,316, A>G on the plus strand (T>C on the coding strand, the complement: RUNX1 is on the minus strand). VCF-style: chr21-34799316-A-G. GRCh37 (hg19) VCF-style: chr21-36171613-A-G.
Other names: NM_001754.5(RUNX1):c.952T>C; p.Ser318Pro; c.871T>C, p.Ser291Pro (NM_001001890.3); c.952T>C (NM_001754.4); short protein forms S291P, S318P.
Identifiers: ClinVar variation 1000131 (VCV001000131.12), dbSNP rs545554349, ClinGen allele CA320255462.

ClinVar aggregate classification (germline): Uncertain significance. Review status: reviewed by expert panel (3 of 4 stars). 4 submissions from 4 submitters: Uncertain significance (1). 3 of the submissions do not count toward it. Last evaluated 2025-05-02.

Conditions:
Inborn genetic diseases. Identifiers: MedGen C0950123, MeSH D030342.
Hereditary thrombocytopenia and hematologic cancer predisposition syndrome. Identifiers: Orphanet 71290, MedGen CN281654, MONDO:0011071.
Hereditary thrombocytopenia and hematological cancer predisposition syndrome associated with RUNX1. Also called: Familial Platelet Disorder with Propensity to Acute Myelogenous Leukemia; Familial thrombocytopenia with propensity to acute myelogenous leukemia; PLATELET DISORDER, ASPIRIN-LIKE; RUNX1 Familial Platelet Disorder with Associated Myeloid Malignancies. Identifiers: Orphanet 71290, MedGen C1832388, MeSH C563324, MONDO:0100083, OMIM 601399.
Acute myeloid leukemia (AML). Also called: Acute myeloid leukemia, adult; AML adult; Acute non-lymphocytic leukemia; Acute granulocytic leukemia; Leukemia, acute myelogenous, somatic; Leukemia, acute myeloid, somatic. Identifiers: Orphanet 519, MedGen C0023467, MeSH D015470, MONDO:0018874, OMIM 601626, HP:0004808. Disease mechanism: Constitutively activated FLT3.

gnomAD v4.1: 2 of 1,614,194 alleles (0.00012%); highest among the groups gnomAD compares: Non-Finnish European, 0.000085%; no homozygotes.

Submissions (4):

ClinGen Myeloid Malignancy Variant Curation Expert Panel
Classification: Uncertain significance for Hereditary thrombocytopenia and hematologic cancer predisposition syndrome. Last evaluated: 2025-05-02. Review status: reviewed by expert panel. Criteria: ClinGen MyeloMalig ACMG Specifications v2. Collection method: curation. Allele origin: germline. Inheritance: Autosomal dominant inheritance.
Comment: NM_001754.5(RUNX1):c.952T>C (p.Ser318Pro) is a missense variant which has a REVEL score < 0.50 (0.188) and a SpliceAI score ≤ 0.20 (0.00) (BP4). In summary, the clinical significance of this variant is uncertain. ACMG/AMP criteria applied, as specified by the Myeloid Malignancy Variant Curation Expert Panel for RUNX1: BP4.

Ambry Genetics
Classification: Uncertain significance for Inborn genetic diseases. Last evaluated: 2025-06-26. Review status: criteria provided, single submitter. Criteria: Ambry Variant Classification Scheme 2023. Collection method: clinical testing. Allele origin: germline. Not counted in ClinVar's aggregate classification.
Comment: The p.S318P variant (also known as c.952T>C), located in coding exon 7 of the RUNX1 gene, results from a T to C substitution at nucleotide position 952. The serine at codon 318 is replaced by proline, an amino acid with similar properties. This amino acid position is conserved. In addition, this alteration is predicted to be tolerated by in silico analysis. Based on the available evidence, the clinical significance of this variant remains unclear.

Labcorp Genetics (formerly Invitae), Labcorp
Classification: Uncertain significance for Hereditary thrombocytopenia and hematological cancer predisposition syndrome associated with RUNX1. Last evaluated: 2024-04-15. Review status: criteria provided, single submitter. Criteria: Invitae Variant Classification Sherloc (09022015). Collection method: clinical testing. Allele origin: germline. Not counted in ClinVar's aggregate classification.
Comment: This sequence change replaces serine, which is neutral and polar, with proline, which is neutral and non-polar, at codon 318 of the RUNX1 protein (p.Ser318Pro). This variant is present in population databases (no rsID available, gnomAD 0.007%). This variant has not been reported in the literature in individuals affected with RUNX1-related conditions. ClinVar contains an entry for this variant (Variation ID: 1000131). Advanced modeling of protein sequence and biophysical properties (such as structural, functional, and spatial information, amino acid conservation, physicochemical variation, residue mobility, and thermodynamic stability) has been performed at Invitae for this missense variant, however the output from this modeling did not meet the statistical confidence thresholds required to predict the impact of this variant on RUNX1 protein function. In summary, the available evidence is currently insufficient to determine the role of this variant in disease. Therefore, it has been classified as a Variant of Uncertain Significance.

Baylor Genetics
Classification: Uncertain significance for Acute myeloid leukemia. Last evaluated: 2024-02-19. Review status: criteria provided, single submitter. Criteria: ACMG Guidelines, 2015. Collection method: clinical testing. Allele origin: unknown. Not counted in ClinVar's aggregate classification.